The following is an entry in ClinVar:

ClinVar aggregate classification (germline): Uncertain significance (1 of 4 stars; one submission).

Allele frequency attached by ClinVar (database versions not stated): gnomAD 0.00001; ExAC 0.00002; gnomAD exomes 0.00002 and 0.00003.
gnomAD v4.1: 22 of 1,612,042 alleles (0.0014%); highest among the groups gnomAD compares: Non-Finnish European, 0.00034%; no homozygotes.

Submission:

Labcorp Genetics (formerly Invitae), Labcorp
Classification: Uncertain significance. Last evaluated: 2023-08-17. Review status: criteria provided, single submitter. Criteria: Invitae Variant Classification Sherloc (09022015). Collection method: clinical testing. Allele origin: germline.
Comment: This sequence change replaces threonine, which is neutral and polar, with isoleucine, which is neutral and non-polar, at codon 1113 of the USH2A protein (p.Thr1113Ile). This variant is present in population databases (rs753085223, gnomAD 0.04%). This variant has not been reported in the literature in individuals affected with USH2A-related conditions. ClinVar contains an entry for this variant (Variation ID: 1369865). Advanced modeling of protein sequence and biophysical properties (such as structural, functional, and spatial information, amino acid conservation, physicochemical variation, residue mobility, and thermodynamic stability) has been performed at Invitae for this missense variant, however the output from this modeling did not meet the statistical confidence thresholds required to predict the impact of this variant on USH2A protein function. In summary, the available evidence is currently insufficient to determine the role of this variant in disease. Therefore, it has been classified as a Variant of Uncertain Significance.

NM_206933.4(USH2A):c.3338C>T (p.Thr1113Ile)

Genes: USH2A (usherin; minus strand), USH2A-AS1 (USH2A antisense RNA 1; plus strand). Cytogenetic location: 1q41.
Variant type: single nucleotide variant.
Coding change: c.3338C>T on transcript NM_206933.4 (MANE Select); coding-DNA position 3338, C replaced by T.
Protein change: p.Thr1113Ile; replaces threonine 1113 with isoleucine.
Molecular consequence: missense variant.
Genome position (GRCh38, 1-based): chr1:216,200,100, G>A on the plus strand (C>T on the coding strand, the complement: USH2A is on the minus strand). VCF-style: chr1-216200100-G-A. GRCh37 (hg19) VCF-style: chr1-216373442-G-A.
Other names: c.3338C>T, p.Thr1113Ile (NM_007123.6); short protein forms T1113I.
Identifiers: ClinVar variation 1369865 (VCV001369865.6), dbSNP rs753085223, ClinGen allele CA1396009.